The following is an entry in ClinVar:

NM_001111.5(ADAR):c.746C>T (p.Ser249Leu)

Gene: ADAR (adenosine deaminase RNA specific; minus strand). Cytogenetic location: 1q21.3.
Variant type: single nucleotide variant.
Coding change: c.746C>T on transcript NM_001111.5 (MANE Select); coding-DNA position 746, C replaced by T.
Protein change: p.Ser249Leu; replaces serine 249 with leucine.
Molecular consequence: missense variant. On other transcripts: 5 prime UTR variant (6).
Genome position (GRCh38, 1-based): chr1:154,601,896, G>A on the plus strand (C>T on the coding strand, the complement: ADAR is on the minus strand). VCF-style: chr1-154601896-G-A. GRCh37 (hg19) VCF-style: chr1-154574372-G-A.
Other names: c.-140C>T (NM_001025107.3, NM_001193495.2, NM_001365046.1 and 3 more transcripts); c.773C>T, p.Ser258Leu (NM_001365045.1); c.746C>T, p.Ser249Leu (NM_015840.4, NM_015841.4); short protein forms S249L, S258L.
Identifiers: ClinVar variation 1447084 (VCV001447084.6), dbSNP rs750380232, ClinGen allele CA1131644.

ClinVar aggregate classification (germline): Uncertain significance (1 of 4 stars; one submission).

Conditions:
Aicardi-Goutieres syndrome 6 (AGS6). Identifiers: Orphanet 51, MedGen C3539013, MONDO:0014007, OMIM 615010.
Symmetrical dyschromatosis of extremities (DSH). Also called: DYSCHROMATOSIS SYMMETRICA HEREDITARIA 1; RETICULATE ACROPIGMENTATION OF DOHI; SYMMETRIC DYSCHROMATOSIS OF THE EXTREMITIES; Dyschromatosis symmetrica hereditaria. Identifiers: Orphanet 41, MedGen C0406775, MONDO:0007483, OMIM 127400.

Allele frequency attached by ClinVar (database versions not stated): ExAC 0.00001; gnomAD 0.00003; gnomAD exomes 0.00001.
gnomAD v4.1: 15 of 1,613,952 alleles (0.00093%); highest among the groups gnomAD compares: African/African-American, 0.011%; no homozygotes.

Submission:

Labcorp Genetics (formerly Invitae), Labcorp
Classification: Uncertain significance for Aicardi-Goutieres syndrome 6; Symmetrical dyschromatosis of extremities. Last evaluated: 2025-12-25. Review status: criteria provided, single submitter. Criteria: Invitae Variant Classification Sherloc (09022015). Collection method: clinical testing. Allele origin: germline.
Comment: This sequence change replaces serine, which is neutral and polar, with leucine, which is neutral and non-polar, at codon 249 of the ADAR protein (p.Ser249Leu). This variant is present in population databases (rs750380232, gnomAD 0.02%). This variant has not been reported in the literature in individuals affected with ADAR-related conditions. ClinVar contains an entry for this variant (Variation ID: 1447084). Experimental studies and prediction algorithms are not available or were not evaluated, and the functional significance of this variant is currently unknown. In summary, the available evidence is currently insufficient to determine the role of this variant in disease. Therefore, it has been classified as a Variant of Uncertain Significance.